The following is an entry in ClinVar:

NM_014141.6(CNTNAP2):c.3109C>T (p.Pro1037Ser)

Gene: CNTNAP2 (contactin associated protein 2; plus strand). Cytogenetic location: 7q36.1.
Variant type: single nucleotide variant.
Coding change: c.3109C>T on transcript NM_014141.6 (MANE Select); coding-DNA position 3109, C replaced by T.
Protein change: p.Pro1037Ser; replaces proline 1037 with serine.
Molecular consequence: missense variant.
Genome position (GRCh38, 1-based): chr7:148,217,386, C>T. VCF-style: chr7-148217386-C-T. GRCh37 (hg19) VCF-style: chr7-147914478-C-T.
Other names: short protein forms P1037S.
Identifiers: ClinVar variation 589054 (VCV000589054.15), dbSNP rs541853843, ClinGen allele CA4546553.

ClinVar aggregate classification (germline): Uncertain significance. Review status: criteria provided, multiple submitters, no conflicts (2 of 4 stars). 2 submissions from 2 submitters: Uncertain significance (2). Last evaluated 2025-08-27.

Conditions:
Inborn genetic diseases. Identifiers: MedGen C0950123, MeSH D030342.
Cortical dysplasia-focal epilepsy syndrome (PTHSL1). Also called: Pitt-Hopkins-like syndrome 1. Identifiers: Orphanet 163681, Orphanet 221150, MedGen C2750246, MONDO:0012400, OMIM 610042.

Allele frequency attached by ClinVar (database versions not stated): gnomAD exomes below 0.00001 and 0.00002; gnomAD 0.00001; ExAC 0.00002; TOPMed 0.00004; 1000 Genomes Project 30x 0.00016; 1000 Genomes Project 0.00020.
gnomAD v4.1: 11 of 1,614,170 alleles (0.00068%); highest among the groups gnomAD compares: African/African-American, 0.004%; no homozygotes.

Submissions (2):

Ambry Genetics
Classification: Uncertain significance for Inborn genetic diseases. Last evaluated: 2025-08-27. Review status: criteria provided, single submitter. Criteria: Ambry Variant Classification Scheme 2023. Collection method: clinical testing. Allele origin: germline.

Labcorp Genetics (formerly Invitae), Labcorp
Classification: Uncertain significance for Cortical dysplasia-focal epilepsy syndrome. Last evaluated: 2024-10-31. Review status: criteria provided, single submitter. Criteria: Invitae Variant Classification Sherloc (09022015). Collection method: clinical testing. Allele origin: germline.
Comment: This sequence change replaces proline, which is neutral and non-polar, with serine, which is neutral and polar, at codon 1037 of the CNTNAP2 protein (p.Pro1037Ser). This variant is present in population databases (rs541853843, gnomAD 0.01%). This variant has not been reported in the literature in individuals affected with CNTNAP2-related conditions. ClinVar contains an entry for this variant (Variation ID: 589054). An algorithm developed to predict the effect of missense changes on protein structure and function (PolyPhen-2) suggests that this variant¬†is likely to be tolerated. In summary, the available evidence is currently insufficient to determine the role of this variant in disease. Therefore, it has been classified as a Variant of Uncertain Significance.